The following is an entry in ClinVar:

ClinVar aggregate classification (germline): Pathogenic/Likely pathogenic. Review status: criteria provided, multiple submitters, no conflicts (2 of 4 stars). 6 submissions from 6 submitters: Pathogenic (4); Likely pathogenic (1). 1 of the submissions does not count toward it. Last evaluated 2024-11-13.

Conditions:
Spastic paraplegia. Identifiers: MedGen C0037772, HP:0001258.
Hereditary spastic paraplegia. Also called: Familial spastic paraparesis. Identifiers: Orphanet 685, MedGen C0037773, MONDO:0019064. Disease mechanism: loss of function.
Hereditary spastic paraplegia 5A (SPG5A). Also called: SPASTIC PARAPLEGIA 5A, AUTOSOMAL RECESSIVE. Identifiers: Orphanet 100986, MedGen C1849115, MONDO:0010047, OMIM 270800.

Submissions (6):

Mayo Clinic Laboratories, Mayo Clinic
Classification: Pathogenic. Last evaluated: 2024-11-13. Review status: criteria provided, single submitter. Criteria: ACMG Guidelines, 2015. Collection method: clinical testing. Allele origin: germline. Observed: 1 variant allele.
Comment: PM2_supporting, PM3_supporting, PVS1

Labcorp Genetics (formerly Invitae), Labcorp
Classification: Pathogenic for Spastic paraplegia. Last evaluated: 2024-02-01. Review status: criteria provided, single submitter. Criteria: Invitae Variant Classification Sherloc (09022015). Collection method: clinical testing. Allele origin: germline.
Comment: This sequence change creates a premature translational stop signal (p.Leu217Phefs*4) in the CYP7B1 gene. It is expected to result in an absent or disrupted protein product. Loss-of-function variants in CYP7B1 are known to be pathogenic (PMID: 9802883, 19363635, 19439420, 21541746, 21567895, 28039895). This variant is present in population databases (no rsID available, gnomAD 0.002%). This premature translational stop signal has been observed in individual(s) with hereditary spastic paraplegia (PMID: 23812641). This variant is also known as p.L217Ffs*3. ClinVar contains an entry for this variant (Variation ID: 849738). For these reasons, this variant has been classified as Pathogenic.

GeneDx
Classification: Pathogenic. Last evaluated: 2022-06-03. Review status: criteria provided, single submitter. Criteria: GeneDx Variant Classification Process June 2021. Collection method: clinical testing. Allele origin: germline. Affected: yes.
Comment: Frameshift variant predicted to result in protein truncation or nonsense mediated decay in a gene for which loss of function is a known mechanism of disease; Not observed at significant frequency in large population cohorts (gnomAD); This variant is associated with the following publications: (PMID: 23812641)

Athena Diagnostics
Classification: Pathogenic. Last evaluated: 2021-08-30. Review status: criteria provided, single submitter. Criteria: Athena Diagnostics Criteria. Collection method: clinical testing. Allele origin: unknown.
Comment: This variant is expected to result in the loss of a functional protein. The frequency of this variant in the general population is consistent with pathogenicity. This variant has been identified in at least one individual with clinical features associated with this gene.

Genome Diagnostics Laboratory, The Hospital for Sick Children
Classification: Likely pathogenic for Hereditary spastic paraplegia. Last evaluated: 2016-12-12. Review status: criteria provided, single submitter. Criteria: ACMG Guidelines, 2015. Collection method: clinical testing. Allele origin: germline. Affected: yes.

Genomics England Pilot Project, Genomics England
Classification: Likely pathogenic for Hereditary spastic paraplegia 5A. Review status: no assertion criteria provided. Criteria: ACGS Guidelines, 2016. Collection method: clinical testing. Allele origin: germline. Affected: yes. Not counted in ClinVar's aggregate classification.

Literature cited by the submitters: PubMed 23812641 (cited by 3 submitters); PubMed 9802883 (cited by Labcorp Genetics (formerly Invitae), Labcorp); PubMed 19363635 (cited by Labcorp Genetics (formerly Invitae), Labcorp); PubMed 19439420 (cited by Labcorp Genetics (formerly Invitae), Labcorp); PubMed 21541746 (cited by Labcorp Genetics (formerly Invitae), Labcorp); PubMed 21567895 (cited by Labcorp Genetics (formerly Invitae), Labcorp); PubMed 28039895 (cited by Labcorp Genetics (formerly Invitae), Labcorp).

NM_004820.5(CYP7B1):c.650dup (p.Leu217fs)

Gene: CYP7B1 (cytochrome P450 family 7 subfamily B member 1; minus strand). Cytogenetic location: 8q12.3.
Variant type: Duplication.
Coding change: c.650dup on transcript NM_004820.5 (MANE Select); coding-DNA position 650, one base duplicated (T; older notation c.650dupT).
Protein change: p.Leu217fs; shifts the reading frame from leucine 217.
Molecular consequence: frameshift variant.
Genome position (GRCh38, 1-based): chr8:64,615,891, A duplicated on the plus strand (T on the coding strand, the reverse complement: CYP7B1 is on the minus strand); the first of 6 consecutive A bases (chr8:64,615,891-64,615,896); duplicating any one gives the same sequence. VCF-style (leftmost placement, unchanged base first): chr8-64615890-T-TA. GRCh37 (hg19) VCF-style: chr8-65528447-T-TA.
Other names: p.Leu217Phefs*4; c.650_651insT (NM_004820.3); c.650dup, p.Leu217fs (NM_001324112.2); short protein forms L217fs.
Identifiers: ClinVar variation 849738 (VCV000849738.17), dbSNP rs1298132281, ClinGen allele CA582454253.